The following is an entry in ClinVar:

ClinVar aggregate classification (germline): Pathogenic/Likely pathogenic. Review status: criteria provided, multiple submitters, no conflicts (2 of 4 stars). 4 submissions from 4 submitters: Pathogenic (2); Likely pathogenic (2). Last evaluated 2026-01-07.

Conditions:
Propionic acidemia (PROP). Also called: GLYCINEMIA, KETOTIC; HYPERGLYCINEMIA WITH KETOACIDOSIS AND LEUKOPENIA; KETOTIC HYPERGLYCINEMIA. Identifiers: Orphanet 35, MedGen C0268579, MONDO:0011628, OMIM 606054, HP:0003571.

Submissions (4):

Natera, Inc.
Classification: Likely pathogenic for Propionic acidemia. Last evaluated: 2026-01-07. Review status: criteria provided, single submitter. Criteria: Natera Variant Classification Schema (03/2026). Collection method: clinical testing. Allele origin: germline.
Comment: The c.494G>C variant in PCCB is a missense variant predicted to cause substitution of arginine to proline at amino acid 165. This variant is rare in the general population with a frequency below the threshold expected for the associated phenotype(s). This variant has been observed in one or more individuals affected with the associated recessive disease, as either homozygous or compound heterozygous with a second variant (PMID: 20549364). Functional studies show that this variant may disrupt protein function (PMID: 20549364). A different variant at the same position has been determined to be Pathogenic or Likely Pathogenic. Computational prediction algorithms indicate this variant is likely to affect gene or protein function. Given the available evidence, this variant is classified as Likely Pathogenic.

Women's Health and Genetics/Laboratory Corporation of America, LabCorp
Classification: Pathogenic for Propionic acidemia. Last evaluated: 2024-08-22. Review status: criteria provided, single submitter. Criteria: LabCorp Variant Classification Summary - May 2015. Collection method: clinical testing. Allele origin: germline.
Comment: Variant summary: PCCB c.494G>C (p.Arg165Pro) results in a non-conservative amino acid change located in the Acetyl-coenzyme A carboxyltransferase, N-terminal domain (IPR011762) of the encoded protein sequence. Five of five in-silico tools predict a damaging effect of the variant on protein function. The variant was absent in 169706 control chromosomes. c.494G>C has been reported in the literature in the presumed compound heterozygous state in at least 1 individual affected with Propionic Acidemia (example, Perez_2010). Two different variants affecting the same codon have been classified as pathogenic by our lab (c.493C>T, p.Arg165Trp and c.494G>A, p.Arg165Gln), supporting the critical relevance of codon 165 to PCCB protein function. At least one publication reports experimental evidence evaluating an impact on protein function. The most pronounced variant effect results in <10% of normal activity (example, Perez_2010). The following publication has been ascertained in the context of this evaluation (PMID: 20549364). ClinVar contains an entry for this variant (Variation ID: 2677518). Based on the evidence outlined above, the variant was classified as pathogenic.

Baylor Genetics
Classification: Likely pathogenic for Propionic acidemia. Last evaluated: 2023-06-17. Review status: criteria provided, single submitter. Criteria: ACMG Guidelines, 2015. Collection method: clinical testing. Allele origin: unknown.

Labcorp Genetics (formerly Invitae), Labcorp
Classification: Pathogenic for Propionic acidemia. Last evaluated: 2023-02-17. Review status: criteria provided, single submitter. Criteria: Invitae Variant Classification Sherloc (09022015). Collection method: clinical testing. Allele origin: germline.
Comment: For these reasons, this variant has been classified as Pathogenic. This variant disrupts the p.Arg165 amino acid residue in PCCB. Other variant(s) that disrupt this residue have been determined to be pathogenic (PMID: 11749052, 12757933). This suggests that this residue is clinically significant, and that variants that disrupt this residue are likely to be disease-causing. Experimental studies have shown that this missense change affects PCCB function (PMID: 20549364). Advanced modeling of protein sequence and biophysical properties (such as structural, functional, and spatial information, amino acid conservation, physicochemical variation, residue mobility, and thermodynamic stability) performed at Invitae indicates that this missense variant is expected to disrupt PCCB protein function. This missense change has been observed in individual(s) with propionic acidemia (PMID: 20549364). In at least one individual the data is consistent with being in trans (on the opposite chromosome) from a pathogenic variant. This variant is not present in population databases (gnomAD no frequency). This sequence change replaces arginine, which is basic and polar, with proline, which is neutral and non-polar, at codon 165 of the PCCB protein (p.Arg165Pro).

Literature cited by the submitters: PubMed 20549364 (cited by 3 submitters); PubMed 11749052 (cited by Labcorp Genetics (formerly Invitae), Labcorp); PubMed 12757933 (cited by Labcorp Genetics (formerly Invitae), Labcorp).

NM_000532.5(PCCB):c.494G>C (p.Arg165Pro)

Gene: PCCB (propionyl-CoA carboxylase subunit beta; plus strand). Cytogenetic location: 3q22.3.
Variant type: single nucleotide variant.
Coding change: c.494G>C on transcript NM_000532.5 (MANE Select); coding-DNA position 494, G replaced by C.
Protein change: p.Arg165Pro; replaces arginine 165 with proline.
Molecular consequence: missense variant.
Genome position (GRCh38, 1-based): chr3:136,262,016, G>C. VCF-style: chr3-136262016-G-C. GRCh37 (hg19) VCF-style: chr3-135980858-G-C.
Other names: c.494G>C (NM_000532.4); c.554G>C, p.Arg185Pro (NM_001178014.2); short protein forms R165P, R185P.
Identifiers: ClinVar variation 2677518 (VCV002677518.6), dbSNP rs1304714042, ClinGen allele CA354739686.